The following is an entry in ClinVar:

NM_001127222.2(CACNA1A):c.6664C>T (p.Pro2222Ser)

Gene: CACNA1A (calcium voltage-gated channel subunit alpha1 A; minus strand). Cytogenetic location: 19p13.13.
Variant type: single nucleotide variant.
Coding change: c.6664C>T on transcript NM_001127222.2 (MANE Select); coding-DNA position 6664, C replaced by T.
Protein change: p.Pro2222Ser; replaces proline 2222 with serine.
Molecular consequence: missense variant.
Genome position (GRCh38, 1-based): chr19:13,208,872, G>A on the plus strand (C>T on the coding strand, the complement: CACNA1A is on the minus strand). VCF-style: chr19-13208872-G-A. GRCh37 (hg19) VCF-style: chr19-13319686-G-A.
Other names: c.6664C>T (NM_001127222.1); c.6682C>T, p.Pro2228Ser (NM_000068.4, NM_023035.3); c.6667C>T, p.Pro2223Ser (NM_001127221.2); c.6673C>T, p.Pro2225Ser (NM_001174080.2); short protein forms P2223S, P2225S, P2228S, P2222S.
Identifiers: ClinVar variation 2936509 (VCV002936509.6), dbSNP rs1357328010, ClinGen allele CA404329806.

ClinVar aggregate classification (germline): Uncertain significance. Review status: criteria provided, multiple submitters, no conflicts (2 of 4 stars). 3 submissions from 3 submitters: Uncertain significance (2). 1 of the submissions does not count toward it. Last evaluated 2023-12-13.

Conditions:
Episodic ataxia type 2 (EA2). Also called: CEREBELLAR ATAXIA, PAROXYSMAL, ACETAZOLAMIDE-RESPONSIVE; CEREBELLOPATHY, HEREDITARY PAROXYSMAL; EPISODIC ATAXIA, NYSTAGMUS-ASSOCIATED; ACETAZOLAMIDE-RESPONSIVE HEREDITARY PAROXYSMAL CEREBELLAR ATAXIA; ATAXIA, EPISODIC, WITH NYSTAGMUS; ATAXIA, FAMILIAL PAROXYSMAL. Identifiers: Orphanet 97, MedGen C1720416, MONDO:0007163, OMIM 108500.
Developmental and epileptic encephalopathy, 42 (DEE42A). Also called: Epileptic encephalopathy, early infantile, 42; DEVELOPMENTAL AND EPILEPTIC ENCEPHALOPATHY 42A; EPILEPTIC ENCEPHALOPATHY, EARLY INFANTILE, 42A. Identifiers: MedGen C4310716, MONDO:0014917, OMIM 617106.
CACNA1A-related disorder. Also called: CACNA1A-related condition.

Allele frequency attached by ClinVar (database versions not stated): gnomAD exomes below 0.00001.
gnomAD v4.1: 2 of 1,536,040 alleles (0.00013%); highest among the groups gnomAD compares: Non-Finnish European, 0.00017%; no homozygotes.

Submissions (3):

GeneDx
Classification: Uncertain significance. Last evaluated: 2023-12-13. Review status: criteria provided, single submitter. Criteria: GeneDx Variant Classification Process June 2021. Collection method: clinical testing. Allele origin: germline. Affected: yes.
Comment: Not observed at significant frequency in large population cohorts (gnomAD); In silico analysis supports that this missense variant does not alter protein structure/function; Has not been previously published as pathogenic or benign to our knowledge

Labcorp Genetics (formerly Invitae), Labcorp
Classification: Uncertain significance for Developmental and epileptic encephalopathy, 42; Episodic ataxia type 2. Last evaluated: 2023-07-19. Review status: criteria provided, single submitter. Criteria: Invitae Variant Classification Sherloc (09022015). Collection method: clinical testing. Allele origin: germline.
Comment: This sequence change replaces proline, which is neutral and non-polar, with serine, which is neutral and polar, at codon 2223 of the CACNA1A protein (p.Pro2223Ser). This variant is not present in population databases (gnomAD no frequency). This variant has not been reported in the literature in individuals affected with CACNA1A-related conditions. Advanced modeling of protein sequence and biophysical properties (such as structural, functional, and spatial information, amino acid conservation, physicochemical variation, residue mobility, and thermodynamic stability) performed at Invitae indicates that this missense variant is not expected to disrupt CACNA1A protein function. In summary, the available evidence is currently insufficient to determine the role of this variant in disease. Therefore, it has been classified as a Variant of Uncertain Significance.

PreventionGenetics, part of Exact Sciences
Classification: Uncertain significance for CACNA1A-related condition. Last evaluated: 2023-11-03. Review status: no assertion criteria provided. Collection method: clinical testing. Allele origin: germline. Not counted in ClinVar's aggregate classification.
Comment: The CACNA1A c.6664C>T variant is predicted to result in the amino acid substitution p.Pro2222Ser. To our knowledge, this variant has not been reported in the literature or in a large population database, indicating this variant is rare. At this time, the clinical significance of this variant is uncertain due to the absence of conclusive functional and genetic evidence.